The following is an entry in ClinVar:

ClinVar aggregate classification (germline): Uncertain significance (1 of 4 stars; one submission).

Allele frequency attached by ClinVar (database versions not stated): gnomAD exomes below 0.00001.
gnomAD v4.1: 2 of 1,606,288 alleles (0.00012%); highest among the groups gnomAD compares: Non-Finnish European, 0.000085%; no homozygotes.

Submission:

Labcorp Genetics (formerly Invitae), Labcorp
Classification: Uncertain significance. Last evaluated: 2023-01-02. Review status: criteria provided, single submitter. Criteria: Invitae Variant Classification Sherloc (09022015). Collection method: clinical testing. Allele origin: germline.
Comment: This variant is not present in population databases (gnomAD no frequency). This sequence change replaces methionine, which is neutral and non-polar, with valine, which is neutral and non-polar, at codon 238 of the SLC12A6 protein (p.Met238Val). This variant has not been reported in the literature in individuals affected with SLC12A6-related conditions. In summary, the available evidence is currently insufficient to determine the role of this variant in disease. Therefore, it has been classified as a Variant of Uncertain Significance. Advanced modeling of protein sequence and biophysical properties (such as structural, functional, and spatial information, amino acid conservation, physicochemical variation, residue mobility, and thermodynamic stability) has been performed at Invitae for this missense variant, however the output from this modeling did not meet the statistical confidence thresholds required to predict the impact of this variant on SLC12A6 protein function.

NM_001365088.1(SLC12A6):c.712A>G (p.Met238Val)

Gene: SLC12A6 (solute carrier family 12 member 6; minus strand). Cytogenetic location: 15q14.
Variant type: single nucleotide variant.
Coding change: c.712A>G on transcript NM_001365088.1 (MANE Select); coding-DNA position 712, A replaced by G.
Protein change: p.Met238Val; replaces methionine 238 with valine.
Molecular consequence: missense variant.
Genome position (GRCh38, 1-based): chr15:34,256,262, T>C on the plus strand (A>G on the coding strand, the complement: SLC12A6 is on the minus strand). VCF-style: chr15-34256262-T-C. GRCh37 (hg19) VCF-style: chr15-34548463-T-C.
Other names: c.535A>G, p.Met179Val (NM_001042494.2, NM_001042495.2); c.685A>G, p.Met229Val (NM_001042496.2); c.667A>G, p.Met223Val (NM_001042497.2); c.559A>G, p.Met187Val (NM_005135.2); c.712A>G, p.Met238Val (NM_133647.2); short protein forms M238V, M229V, M179V, M187V, M223V.
Identifiers: ClinVar variation 2888667 (VCV002888667.3), dbSNP rs2509826462, ClinGen allele CA391611391.